The following is an entry in ClinVar:

NM_001089.3(ABCA3):c.2125C>T (p.Arg709Trp)

Gene: ABCA3 (ATP binding cassette subfamily A member 3; minus strand). Cytogenetic location: 16p13.3.
Variant type: single nucleotide variant.
Coding change: c.2125C>T on transcript NM_001089.3 (MANE Select); coding-DNA position 2125, C replaced by T.
Protein change: p.Arg709Trp; replaces arginine 709 with tryptophan.
Molecular consequence: missense variant.
Genome position (GRCh38, 1-based): chr16:2,297,467, G>A on the plus strand (C>T on the coding strand, the complement: ABCA3 is on the minus strand). VCF-style: chr16-2297467-G-A. GRCh37 (hg19) VCF-style: chr16-2347468-G-A.
Other names: short protein forms R709W.
Identifiers: ClinVar variation 162674 (VCV000162674.26), dbSNP rs148671332, ClinGen allele CA175146.

ClinVar aggregate classification (germline): Conflicting classifications of pathogenicity. Review status: criteria provided, conflicting classifications (1 of 4 stars). 8 submissions from 8 submitters: Uncertain significance (4); Benign (1); Likely benign (2). 1 of the submissions does not count toward it. Last evaluated 2026-02-02.

Conditions:
ABCA3-related disorder. Also called: ABCA3-related condition.
Hereditary pulmonary alveolar proteinosis. Also called: Pulmonary surfactant metabolism dysfunction. Identifiers: Orphanet 264675, MedGen C3711368, MONDO:0012580.
Interstitial lung disease due to ABCA3 deficiency. Also called: PULMONARY ALVEOLAR PROTEINOSIS, CONGENITAL, 3. Identifiers: Orphanet 440402, MedGen C1970456, MONDO:0012582, OMIM 610921.

Allele frequency attached by ClinVar (database versions not stated): 1000 Genomes Project 30x 0.00109; 1000 Genomes Project 0.00120; gnomAD exomes 0.00130 and 0.00224; ExAC 0.00131; TOPMed 0.00158; gnomAD 0.00165 and 0.00172; ESP Exome Variant Server 0.00185.
gnomAD v4.1: 3,568 of 1,613,790 alleles (0.22%); highest among the groups gnomAD compares: Non-Finnish European, 0.27%; 7 homozygotes.

Submissions (8):

Labcorp Genetics (formerly Invitae), Labcorp
Classification: Likely benign. Last evaluated: 2026-02-02. Review status: criteria provided, single submitter. Criteria: Invitae Variant Classification Sherloc (09022015). Collection method: clinical testing. Allele origin: germline.

GeneDx
Classification: Uncertain significance. Last evaluated: 2025-12-16. Review status: criteria provided, single submitter. Criteria: GeneDx Variant Classification Process June 2021. Collection method: clinical testing. Allele origin: germline. Affected: yes.
Comment: In silico analysis supports that this missense variant has a deleterious effect on protein structure/function; This variant is associated with the following publications: (PMID: 22068586, 27516224, 32238781, 34638622, 36404394, 36863776, 33224783, 40255289, 36118545, 40746635)

Blueprint Genetics
Classification: Benign. Last evaluated: 2024-11-07. Review status: criteria provided, single submitter. Criteria: ACMG Guidelines, 2015. Collection method: clinical testing. Allele origin: germline.

Johns Hopkins Genomics, Johns Hopkins University
Classification: Uncertain significance for Interstitial lung disease due to ABCA3 deficiency. Last evaluated: 2021-06-04. Review status: criteria provided, single submitter. Criteria: ACMG Guidelines, 2015. Collection method: clinical testing. Allele origin: germline.

Ambry Genetics
Classification: Uncertain significance for Hereditary pulmonary alveolar proteinosis. Last evaluated: 2019-10-14. Review status: criteria provided, single submitter. Criteria: Ambry Variant Classification Scheme 2023. Collection method: clinical testing. Allele origin: germline.
Comment: The p.R709W variant (also known as c.2125C>T), located in coding exon 14 of the ABCA3 gene, results from a C to T substitution at nucleotide position 2125. The arginine at codon 709 is replaced by tryptophan, an amino acid with dissimilar properties. This variant was detected in an individual with interstitial lung disease; a second ABCA3 alteration was not detected (Flamein F et al. Hum. Mol. Genet., 2012 Feb;21:765-75). In addition, this variant was detected in a adult individual with dyspnea withe exercise and pulmonary alveolar proteinosis; a second ABCA3 alteration was detected, but the phase is unknown (Kr&ouml;ner C et al. Thorax, 2017 Mar;72:213-220). This amino acid position is poorly conserved in available vertebrate species. In addition, the in silico prediction for this alteration is inconclusive. Based on available evidence to date, the clinical significance of this variant remains unclear.

Illumina Laboratory Services, Illumina
Classification: Likely benign for Interstitial lung disease due to ABCA3 deficiency. Last evaluated: 2017-04-27. Review status: criteria provided, single submitter. Criteria: ICSL Variant Classification Criteria 13 December 2019. Collection method: clinical testing. Allele origin: germline.
Comment: This variant was observed as part of a predisposition screen in an ostensibly healthy population. A literature search was performed for the gene, cDNA change, and amino acid change (where applicable). Publications were found based on this search. The evidence from the literature, in combination with allele frequency data from public databases where available, was sufficient to determine this variant is unlikely to cause disease. Therefore, this variant is classified as likely benign.

Laboratory for Molecular Medicine, Mass General Brigham Personalized Medicine
Classification: Uncertain significance. Last evaluated: 2016-06-21. Review status: criteria provided, single submitter. Criteria: LMM Criteria. Collection method: clinical testing. Allele origin: germline. Observed: 2 variant alleles.
Comment: Variant classified as Uncertain Significance - Favor Benign. The p.Arg709Trp var iant in ABCA3 has been reported in the heterozygous state in 1 child with neonat al respiratory distress (NRD)(Flamein 2012). It has been identified in 0.2% (24/1036 4) of African chromosomes by the Exome Aggregation Consortium (ExAC .; dbSNP rs148671332). Computational prediction tools and cons ervation analysis suggest that this variant may not impact the protein, though t his information is not predictive enough to rule out pathogenicity. In summary, while the clinical significance of the p.Arg709Trp variant is uncertain, its fre quency suggests that it is more likely to be benign.

PreventionGenetics, part of Exact Sciences
Classification: Uncertain significance for ABCA3-related condition. Last evaluated: 2024-07-05. Review status: no assertion criteria provided. Collection method: clinical testing. Allele origin: germline. Not counted in ClinVar's aggregate classification.
Comment: The ABCA3 c.2125C>T variant is predicted to result in the amino acid substitution p.Arg709Trp. This variant has been reported in individuals with ABCA3-related disease (Flamein et al. 2012. PubMed ID: 22068586; Kröner et al. 2016. PubMed ID: 27516224; Sallmon et al. 2020. PubMed ID: 33224783). However, in one individual a second variant was not identified (Flamein et al. 2012. PubMed ID: 22068586). This variant is reported in 0.21% of alleles in individuals of European (Non-Finnish) descent in gnomAD. At this time, the clinical significance of this variant is uncertain due to the absence of conclusive functional and genetic evidence.

Literature cited by the submitters: PubMed 22068586 (cited by 3 submitters); PubMed 27516224 (cited by Ambry Genetics).